The following is an entry in ClinVar:

ClinVar aggregate classification (germline): Uncertain significance. Review status: criteria provided, multiple submitters, no conflicts (2 of 4 stars). 3 submissions from 3 submitters: Uncertain significance (3). Last evaluated 2025-11-25.

Conditions:
Cardiovascular phenotype. Identifiers: MedGen CN230736.
Alstrom syndrome (ALMS). Identifiers: Orphanet 64, MedGen C0268425, MONDO:0008763, OMIM 203800.

Allele frequency attached by ClinVar (database versions not stated): ExAC 0.00001; gnomAD 0.00001; TOPMed 0.00002.
gnomAD v4.1: 10 of 1,613,918 alleles (0.00062%); highest among the groups gnomAD compares: Admixed American, 0.0033%; no homozygotes.

Submissions (3):

Ambry Genetics
Classification: Uncertain significance for Cardiovascular phenotype. Last evaluated: 2025-11-25. Review status: criteria provided, single submitter. Criteria: Ambry Variant Classification Scheme 2023. Collection method: clinical testing. Allele origin: germline.
Comment: The p.R3629Q variant (also known as c.10886G>A), located in coding exon 16 of the ALMS1 gene, results from a G to A substitution at nucleotide position 10886. The arginine at codon 3629 is replaced by glutamine, an amino acid with highly similar properties. This amino acid position is highly conserved in available vertebrate species. In addition, this alteration is predicted to be deleterious by in silico analysis. Based on the available evidence, the clinical significance of this variant remains unclear.

GeneDx
Classification: Uncertain significance. Last evaluated: 2023-03-03. Review status: criteria provided, single submitter. Criteria: GeneDx Variant Classification Process June 2021. Collection method: clinical testing. Allele origin: germline. Affected: yes.
Comment: Not observed at significant frequency in large population cohorts (gnomAD); In silico analysis supports that this missense variant has a deleterious effect on protein structure/function; Has not been previously published as pathogenic or benign to our knowledge

Labcorp Genetics (formerly Invitae), Labcorp
Classification: Uncertain significance for Alstrom syndrome. Last evaluated: 2021-11-15. Review status: criteria provided, single submitter. Criteria: Invitae Variant Classification Sherloc (09022015). Collection method: clinical testing. Allele origin: germline.
Comment: This sequence change replaces arginine, which is basic and polar, with glutamine, which is neutral and polar, at codon 3629 of the ALMS1 protein (p.Arg3629Gln). This variant is present in population databases (rs763549947, gnomAD 0.003%). This variant has not been reported in the literature in individuals affected with ALMS1-related conditions. Experimental studies and prediction algorithms are not available or were not evaluated, and the functional significance of this variant is currently unknown. In summary, the available evidence is currently insufficient to determine the role of this variant in disease. Therefore, it has been classified as a Variant of Uncertain Significance.

NM_001378454.1(ALMS1):c.10883G>A (p.Arg3628Gln)

Gene: ALMS1 (ALMS1 centrosome and basal body associated protein; plus strand). Cytogenetic location: 2p13.1.
Variant type: single nucleotide variant.
Coding change: c.10883G>A on transcript NM_001378454.1 (MANE Select); coding-DNA position 10883, G replaced by A.
Protein change: p.Arg3628Gln; replaces arginine 3628 with glutamine.
Molecular consequence: missense variant.
Genome position (GRCh38, 1-based): chr2:73,572,760, G>A. VCF-style: chr2-73572760-G-A. GRCh37 (hg19) VCF-style: chr2-73799887-G-A.
Other names: c.10886G>A, p.Arg3629Gln (NM_015120.4); short protein forms R3628Q, R3629Q.
Identifiers: ClinVar variation 1400978 (VCV001400978.5), dbSNP rs763549947, ClinGen allele CA1715082.